The following is an entry in ClinVar:

ClinVar aggregate classification (germline): Pathogenic. Review status: criteria provided, multiple submitters, no conflicts (2 of 4 stars). 3 submissions from 3 submitters: Pathogenic (3). Last evaluated 2023-09-27.

Conditions:
Hereditary breast ovarian cancer syndrome. Also called: Hereditary breast and ovarian cancer; Hereditary breast and ovarian cancer syndrome (HBOC); Breast and ovarian cancer; Hereditary breast and ovarian cancer syndrome; BRCA1- and BRCA2-Associated Hereditary Breast and Ovarian Cancer; Hereditary breast and/or ovarian cancer syndrome. Identifiers: Orphanet 145, MedGen C0677776, MeSH D061325, MONDO:0003582. Disease mechanism: loss of function.
Hereditary cancer-predisposing syndrome. Also called: Tumor predisposition; Hereditary neoplastic syndrome; Hereditary Cancer Syndrome; Neoplastic Syndromes, Hereditary. Identifiers: Orphanet 140162, MedGen C0027672, MeSH D009386, MONDO:0015356.

Submissions (3):

Ambry Genetics
Classification: Pathogenic for Hereditary cancer-predisposing syndrome. Last evaluated: 2023-09-27. Review status: criteria provided, single submitter. Criteria: Ambry Variant Classification Scheme 2023. Collection method: clinical testing. Allele origin: germline.
Comment: The c.6997_6998delGT pathogenic mutation, located in coding exon 12 of the BRCA2 gene, results from a deletion of two nucleotides at nucleotide positions 6997 to 6998, causing a translational frameshift with a predicted alternate stop codon (p.V2333Tfs*6). This variant is considered to be rare based on population cohorts in the Genome Aggregation Database (gnomAD). This alteration is expected to result in loss of function by premature protein truncation or nonsense-mediated mRNA decay. As such, this alteration is interpreted as a disease-causing mutation.

Labcorp Genetics (formerly Invitae), Labcorp
Classification: Pathogenic for Hereditary breast ovarian cancer syndrome. Last evaluated: 2023-03-07. Review status: criteria provided, single submitter. Criteria: Invitae Variant Classification Sherloc (09022015). Collection method: clinical testing. Allele origin: germline.
Comment: For these reasons, this variant has been classified as Pathogenic. This variant is not present in population databases (gnomAD no frequency). This variant has not been reported in the literature in individuals affected with BRCA2-related conditions. ClinVar contains an entry for this variant (Variation ID: 917557). This sequence change creates a premature translational stop signal (p.Val2333Thrfs*6) in the BRCA2 gene. It is expected to result in an absent or disrupted protein product. Loss-of-function variants in BRCA2 are known to be pathogenic (PMID: 20104584).

Women's Health and Genetics/Laboratory Corporation of America, LabCorp
Classification: Pathogenic for Hereditary breast and ovarian cancer syndrome. Last evaluated: 2020-01-13. Review status: criteria provided, single submitter. Criteria: LabCorp Variant Classification Summary - May 2015. Collection method: clinical testing. Allele origin: germline.
Comment: Variant summary: BRCA2 c.6997_6998delGT (p.Val2333ThrfsX6) results in a premature termination codon, predicted to cause a truncation of the encoded protein or absence of the protein due to nonsense mediated decay, which are commonly known mechanisms for disease. Truncations downstream of this position have been classified as pathogenic by our laboratory. The variant was absent in 249468 control chromosomes (gnomAD). To our knowledge, no occurrence of c.6997_6998delGT in individuals affected with Hereditary Breast and Ovarian Cancer and no experimental evidence demonstrating its impact on protein function have been reported. No clinical diagnostic laboratories have submitted clinical-significance assessments for this variant to ClinVar after 2014. Based on the evidence outlined above, the variant was classified as pathogenic.

Literature cited by the submitters: PubMed 20104584 (cited by Labcorp Genetics (formerly Invitae), Labcorp).

NM_000059.4(BRCA2):c.6997_6998del (p.Val2333fs)

Gene: BRCA2 (BRCA2 DNA repair associated; plus strand). Cytogenetic location: 13q13.1.
Variant type: Microsatellite.
Coding change: c.6997_6998del on transcript NM_000059.4 (MANE Select); coding-DNA positions 6997 to 6998, 2 bases deleted (GT; older notation c.6997_6998delGT).
Protein change: p.Val2333fs; shifts the reading frame from valine 2333.
Molecular consequence: frameshift variant.
Genome position (GRCh38, 1-based): chr13:32,346,886-32,346,887, GT deleted; deleting any 2 consecutive bases within chr13:32,346,883-32,346,887 gives the same sequence; the c. name uses the placement nearest the transcript's 3' end. VCF-style (leftmost placement, unchanged base first): chr13-32346882-CTG-C. GRCh37 (hg19) VCF-style: chr13-32921019-CTG-C.
Other names: short protein forms V2333fs.
Identifiers: ClinVar variation 917557 (VCV000917557.6), dbSNP rs1593913331, ClinGen allele CA1139663153.